The following is an entry in ClinVar:

ClinVar aggregate classification (germline): Conflicting classifications of pathogenicity. Review status: criteria provided, conflicting classifications (1 of 4 stars). 2 submissions from 2 submitters: Uncertain significance (1); Likely benign (1). Last evaluated 2025-08-21.

Conditions:
Inborn genetic diseases. Identifiers: MedGen C0950123, MeSH D030342.
L-2-hydroxyglutaric aciduria (L2HGA). Identifiers: Orphanet 79314, MedGen C1855995, MONDO:0009370, OMIM 236792, HP:0040144.

Allele frequency attached by ClinVar (database versions not stated): gnomAD 0.00001; ExAC 0.00002; gnomAD exomes 0.00002; TOPMed 0.00003.
gnomAD v4.1: 31 of 1,611,678 alleles (0.0019%); highest among the groups gnomAD compares: Middle Eastern, 0.016%; no homozygotes.

Submissions (2):

Labcorp Genetics (formerly Invitae), Labcorp
Classification: Uncertain significance for L-2-hydroxyglutaric aciduria. Last evaluated: 2025-08-21. Review status: criteria provided, single submitter. Criteria: Invitae Variant Classification Sherloc (09022015). Collection method: clinical testing. Allele origin: germline.
Comment: This sequence change replaces valine, which is neutral and non-polar, with isoleucine, which is neutral and non-polar, at codon 54 of the L2HGDH protein (p.Val54Ile). This variant is present in population databases (rs767231867, gnomAD 0.006%). This variant has not been reported in the literature in individuals affected with L2HGDH-related conditions. ClinVar contains an entry for this variant (Variation ID: 1371882). Invitae Evidence Modeling of protein sequence and biophysical properties (such as structural, functional, and spatial information, amino acid conservation, physicochemical variation, residue mobility, and thermodynamic stability) indicates that this missense variant is not expected to disrupt L2HGDH protein function with a negative predictive value of 95%. In summary, the available evidence is currently insufficient to determine the role of this variant in disease. Therefore, it has been classified as a Variant of Uncertain Significance.

Ambry Genetics
Classification: Likely benign for Inborn genetic diseases. Last evaluated: 2023-08-15. Review status: criteria provided, single submitter. Criteria: Ambry Variant Classification Scheme 2023. Collection method: clinical testing. Allele origin: germline.

NM_024884.3(L2HGDH):c.160G>A (p.Val54Ile)

Gene: L2HGDH (L-2-hydroxyglutarate dehydrogenase; minus strand). Cytogenetic location: 14q21.3.
Variant type: single nucleotide variant.
Coding change: c.160G>A on transcript NM_024884.3 (MANE Select); coding-DNA position 160, G replaced by A.
Protein change: p.Val54Ile; replaces valine 54 with isoleucine.
Molecular consequence: missense variant.
Genome position (GRCh38, 1-based): chr14:50,302,998, C>T on the plus strand (G>A on the coding strand, the complement: L2HGDH is on the minus strand). VCF-style: chr14-50302998-C-T. GRCh37 (hg19) VCF-style: chr14-50769716-C-T.
Other names: c.160G>A (NM_024884.2); short protein forms V54I.
Identifiers: ClinVar variation 1371882 (VCV001371882.7), dbSNP rs767231867, ClinGen allele CA7178104.
Genomic context (GRCh38, chr14:50,302,998, plus strand): 5'-GTGATGGATGTCGCAGGATGAGTGCTCTGGCAGAGGCAAGCCCCACAATTCCGCCACCAA[C>T]GATGACTATATCAAATGAGCTTCAAAAGAAAGTCATCTTTAAAGTAATTCATATTTACAG-3'
Protein context (NP_079160.1, residues 44-64): ASTSSFDIVI[Val54Ile]GGGIVGLASA